The following is an entry in ClinVar:

ClinVar aggregate classification (germline): Conflicting classifications of pathogenicity. Review status: criteria provided, conflicting classifications (1 of 4 stars). 4 submissions from 4 submitters: Uncertain significance (2); Likely benign (2). Last evaluated 2025-10-21.

Conditions:
Birt-Hogg-Dube syndrome. Also called: Birt Hogg Dubé syndrome. Identifiers: Orphanet 122, MedGen C0346010, MONDO:0800444.
Hereditary cancer-predisposing syndrome. Also called: Neoplastic Syndromes, Hereditary; Hereditary neoplastic syndrome; Tumor predisposition; Hereditary Cancer Syndrome. Identifiers: Orphanet 140162, MedGen C0027672, MeSH D009386, MONDO:0015356.
Birt-Hogg-Dube syndrome 1 (BHD1). Also called: FIBROFOLLICULOMAS WITH TRICHODISCOMAS AND ACROCHORDONS. Identifiers: Orphanet 122, MedGen CN375946, MONDO:0800445, OMIM 135150.

Allele frequency attached by ClinVar (database versions not stated): gnomAD exomes below 0.00001 and 0.00001; ExAC 0.00001.

Submissions (4):

Labcorp Genetics (formerly Invitae), Labcorp
Classification: Uncertain significance for Birt-Hogg-Dube syndrome. Last evaluated: 2025-10-21. Review status: criteria provided, single submitter. Criteria: Invitae Variant Classification Sherloc (09022015). Collection method: clinical testing. Allele origin: germline.
Comment: This sequence change replaces arginine, which is basic and polar, with glutamine, which is neutral and polar, at codon 57 of the FLCN protein (p.Arg57Gln). This variant is present in population databases (rs749770193, gnomAD 0.006%). This missense change has been observed in individual(s) with clinical features of FLCN-related conditions (internal data). ClinVar contains an entry for this variant (Variation ID: 529988). An algorithm developed to predict the effect of missense changes on protein structure and function (PolyPhen-2) suggests that this variant is likely to be tolerated. In summary, the available evidence is currently insufficient to determine the role of this variant in disease. Therefore, it has been classified as a Variant of Uncertain Significance.

Myriad Genetics, Inc.
Classification: Likely benign for Birt-Hogg-Dube syndrome 1. Last evaluated: 2024-08-08. Review status: criteria provided, single submitter. Criteria: Myriad Autosomal Dominant, Autosomal Recessive and X-Linked Classification Criteria (2023). Collection method: clinical testing. Allele origin: unknown.
Comment: This variant is considered likely benign. This variant has been observed at a population frequency that is significantly greater than expected given the associated disease prevalence and penetrance.

Revvity Omics, Revvity
Classification: Uncertain significance. Last evaluated: 2023-06-19. Review status: criteria provided, single submitter. Criteria: ACMG Guidelines, 2015. Collection method: clinical testing. Allele origin: germline.

Ambry Genetics
Classification: Likely benign for Hereditary cancer-predisposing syndrome. Last evaluated: 2022-04-18. Review status: criteria provided, single submitter. Criteria: Ambry Variant Classification Scheme 2023. Collection method: clinical testing. Allele origin: germline.

NM_144997.7(FLCN):c.170G>A (p.Arg57Gln)

Gene: FLCN (folliculin; minus strand). Cytogenetic location: 17p11.2.
Variant type: single nucleotide variant.
Coding change: c.170G>A on transcript NM_144997.7 (MANE Select); coding-DNA position 170, G replaced by A.
Protein change: p.Arg57Gln; replaces arginine 57 with glutamine.
Molecular consequence: missense variant.
Genome position (GRCh38, 1-based): chr17:17,227,968, C>T on the plus strand (G>A on the coding strand, the complement: FLCN is on the minus strand). VCF-style: chr17-17227968-C-T. GRCh37 (hg19) VCF-style: chr17-17131282-C-T.
Other names: c.170G>A (LRG_325t1); c.170G>A, p.Arg57Gln (NM_001353229.2, NM_001353230.2, NM_001353231.2 and 1 more transcripts); short protein forms R57Q.
Identifiers: ClinVar variation 529988 (VCV000529988.16), dbSNP rs749770193, ClinGen allele CA8416509.
Genomic context (GRCh38, chr17:17,227,968, plus strand): 5'-TTGGGCCCCGGGCTGCTGGACTCGACGCTGGCCCCCTCTGCGGGGCTGTGCGCACGCATC[C>T]GACTGTTCATCTGAATGCCACCTTCCTCTTCTTCCGCCTGCTCACCCTGGCCAGGACTGT-3'
Protein context (NP_659434.2, residues 47-67): EEEGGIQMNS[Arg57Gln]MRAHSPAEGA